The following is an entry in ClinVar:

ClinVar aggregate classification (germline): Uncertain significance. Review status: criteria provided, multiple submitters, no conflicts (2 of 4 stars). 2 submissions from 2 submitters: Uncertain significance (2). Last evaluated 2025-06-27.

Allele frequency attached by ClinVar (database versions not stated): ExAC 0.00002; gnomAD exomes 0.00002; gnomAD 0.00004; TOPMed 0.00004; 1000 Genomes Project 30x 0.00047; 1000 Genomes Project 0.00060.
gnomAD v4.1: 35 of 1,613,450 alleles (0.0022%); highest among the groups gnomAD compares: African/African-American, 0.008%; no homozygotes.

Submissions (2):

Labcorp Genetics (formerly Invitae), Labcorp
Classification: Uncertain significance. Last evaluated: 2025-06-27. Review status: criteria provided, single submitter. Criteria: Invitae Variant Classification Sherloc (09022015). Collection method: clinical testing. Allele origin: germline.
Comment: This sequence change replaces valine, which is neutral and non-polar, with methionine, which is neutral and non-polar, at codon 785 of the TCIRG1 protein (p.Val785Met). This variant is present in population databases (rs572954334, gnomAD 0.01%). This variant has not been reported in the literature in individuals affected with TCIRG1-related conditions. ClinVar contains an entry for this variant (Variation ID: 2148151). Invitae Evidence Modeling of protein sequence and biophysical properties (such as structural, functional, and spatial information, amino acid conservation, physicochemical variation, residue mobility, and thermodynamic stability) indicates that this missense variant is not expected to disrupt TCIRG1 protein function with a negative predictive value of 80%. In summary, the available evidence is currently insufficient to determine the role of this variant in disease. Therefore, it has been classified as a Variant of Uncertain Significance.

Blueprint Genetics
Classification: Uncertain significance. Last evaluated: 2021-11-12. Review status: criteria provided, single submitter. Criteria: ACMG Guidelines, 2015. Collection method: clinical testing. Allele origin: germline.

NM_006019.4(TCIRG1):c.2353G>A (p.Val785Met)

Gene: TCIRG1 (T cell immune regulator 1, ATPase H+ transporting V0 subunit a3; plus strand). Cytogenetic location: 11q13.2.
Variant type: single nucleotide variant.
Coding change: c.2353G>A on transcript NM_006019.4 (MANE Select); coding-DNA position 2353, G replaced by A.
Protein change: p.Val785Met; replaces valine 785 with methionine.
Molecular consequence: missense variant.
Genome position (GRCh38, 1-based): chr11:68,050,603, G>A. VCF-style: chr11-68050603-G-A. GRCh37 (hg19) VCF-style: chr11-67818070-G-A.
Other names: c.1459G>A, p.Val487Met (NM_001351059.2); c.1705G>A, p.Val569Met (NM_006053.4); short protein forms V487M, V569M, V785M.
Identifiers: ClinVar variation 2148151 (VCV002148151.3), dbSNP rs572954334, ClinGen allele CA6147512.